The following is an entry in ClinVar:

ClinVar aggregate classification (germline): Uncertain significance (1 of 4 stars; one submission).

Allele frequency attached by ClinVar (database versions not stated): gnomAD exomes below 0.00001; TOPMed 0.00001.
gnomAD v4.1: 5 of 1,614,182 alleles (0.00031%); highest among the groups gnomAD compares: East Asian, 0.0022%; no homozygotes.

Submission:

Ambry Genetics
Classification: Uncertain significance. Last evaluated: 2024-04-26. Review status: criteria provided, single submitter. Criteria: Ambry Variant Classification Scheme 2023. Collection method: clinical testing. Allele origin: germline.
Comment: The p.G235R variant (also known as c.703G>A), located in coding exon 7 of the RAD54L gene, results from a G to A substitution at nucleotide position 703. The glycine at codon 235 is replaced by arginine, an amino acid with dissimilar properties. This amino acid position is conserved. In addition, this alteration is predicted to be deleterious by in silico analysis. Since supporting evidence is limited at this time, the clinical significance of this alteration remains unclear.

NM_003579.4(RAD54L):c.703G>A (p.Gly235Arg)

Gene: RAD54L (RAD54 like; plus strand). Cytogenetic location: 1p34.1.
Variant type: single nucleotide variant.
Coding change: c.703G>A on transcript NM_003579.4 (MANE Select); coding-DNA position 703, G replaced by A.
Protein change: p.Gly235Arg; replaces glycine 235 with arginine.
Molecular consequence: missense variant.
Genome position (GRCh38, 1-based): chr1:46,260,952, G>A. VCF-style: chr1-46260952-G-A. GRCh37 (hg19) VCF-style: chr1-46726624-G-A.
Other names: c.703G>A, p.Gly235Arg (NM_001142548.2); c.163G>A, p.Gly55Arg (NM_001370766.1); short protein forms G55R, G235R.
Identifiers: ClinVar variation 1756831 (VCV001756831.3), dbSNP rs1254278018, ClinGen allele CA340187491.
Genomic context (GRCh38, chr1:46,260,952, plus strand): 5'-GTGGTGGTGTCGCCTTCCAGCCTGGTGAAGAACTGGTACAATGAGGTTGGGAAATGGCTC[G>A]GAGGGAGGATCCAACCTCTGGCCATCGATGGAGGATCTAAGGATGAAATAGACCAAAAGC-3'
Protein context (NP_003570.2, residues 225-245): NWYNEVGKWL[Gly235Arg]GRIQPLAIDG